The following is an entry in ClinVar:

ClinVar aggregate classification (germline): Benign/Likely benign. Review status: criteria provided, multiple submitters, no conflicts (2 of 4 stars). 9 submissions from 9 submitters: Benign (2); Likely benign (5). 2 of the submissions do not count toward it. Last evaluated 2026-02-01.

Conditions:
Glycogen storage disease type III (GSD3). Also called: Cori disease; FORBES DISEASE. Identifiers: Orphanet 366, MedGen C0017922, MONDO:0009291, OMIM 232400.

Allele frequency attached by ClinVar (database versions not stated): ESP Exome Variant Server 0.00031; TOPMed 0.00034; gnomAD 0.00045; 1000 Genomes Project 30x 0.00062; 1000 Genomes Project 0.00080; gnomAD exomes 0.00140; ExAC 0.00153.
gnomAD v4.1: 1,332 of 1,614,036 alleles (0.083%); highest among the groups gnomAD compares: South Asian, 0.75%; 13 homozygotes.

Submissions (9):

CeGaT Center for Human Genetics Tuebingen
Classification: Likely benign. Last evaluated: 2026-02-01. Review status: criteria provided, single submitter. Criteria: CeGaT Center For Human Genetics Tuebingen Variant Classification Criteria Version 2. Collection method: clinical testing. Allele origin: germline. Affected: yes. Observed: 5 variant alleles.
Comment: AGL: BP4, BS2

Labcorp Genetics (formerly Invitae), Labcorp
Classification: Benign for Glycogen storage disease type III. Last evaluated: 2026-01-28. Review status: criteria provided, single submitter. Criteria: Invitae Variant Classification Sherloc (09022015). Collection method: clinical testing. Allele origin: germline.

Blueprint Genetics
Classification: Likely benign. Last evaluated: 2024-11-26. Review status: criteria provided, single submitter. Criteria: ACMG Guidelines, 2015. Collection method: clinical testing. Allele origin: germline.

Genome-Nilou Lab
Classification: Benign for Glycogen storage disease type III. Last evaluated: 2021-07-15. Review status: criteria provided, single submitter. Criteria: ACMG Guidelines, 2015. Collection method: clinical testing. Allele origin: germline. Affected: no.

GeneDx
Classification: Likely benign. Last evaluated: 2018-06-25. Review status: criteria provided, single submitter. Criteria: GeneDx Variant Classification Process June 2021. Collection method: clinical testing. Allele origin: germline. Affected: yes.

Illumina Laboratory Services, Illumina
Classification: Likely benign for Glycogen storage disease type III. Last evaluated: 2018-01-12. Review status: criteria provided, single submitter. Criteria: ICSL Variant Classification Criteria 13 December 2019. Collection method: clinical testing. Allele origin: germline.
Comment: This variant was observed in the ICSL laboratory as part of a predisposition screen in an ostensibly healthy population. It had not been previously curated by ICSL or reported in the Human Gene Mutation Database (HGMD: prior to June 1st, 2018), and was therefore a candidate for classification through an automated scoring system. Utilizing variant allele frequency, disease prevalence and penetrance estimates, and inheritance mode, an automated score was calculated to assess if this variant is too frequent to cause the disease. Based on the score and internal cut-off values, a variant classified as likely benign is not then subjected to further curation. The score for this variant resulted in a classification of likely benign for this disease.

Eurofins Ntd Llc (ga)
Classification: Likely benign. Last evaluated: 2016-03-23. Review status: criteria provided, single submitter. Criteria: EGL Classification Definitions 2015. Collection method: clinical testing. Allele origin: germline. Observed: 1 variant allele, 1 heterozygote.

Natera, Inc.
Classification: Benign for Glycogen storage disease type III. Last evaluated: 2019-10-22. Review status: no assertion criteria provided. Collection method: clinical testing. Allele origin: germline. Not counted in ClinVar's aggregate classification.

Mayo Clinic Laboratories, Mayo Clinic
Classification: Likely benign. Last evaluated: 2017-08-09. Review status: no assertion criteria provided. Collection method: clinical testing. Allele origin: unknown. Not counted in ClinVar's aggregate classification.

NM_000642.3(AGL):c.39C>T (p.Asn13=)

Gene: AGL (amylo-alpha-1,6-glucosidase and 4-alpha-glucanotransferase; plus strand). Cytogenetic location: 1p21.2.
Variant type: single nucleotide variant.
Coding change: c.39C>T on transcript NM_000642.3 (MANE Select); coding-DNA position 39, C replaced by T.
Protein change: p.Asn13=; no amino-acid change (asparagine 13 retained).
Molecular consequence: synonymous variant.
Genome position (GRCh38, 1-based): chr1:99,851,081, C>T. VCF-style: chr1-99851081-C-T. GRCh37 (hg19) VCF-style: chr1-100316637-C-T.
Other names: c.39C>T, p.Asn13= (NM_000028.3, NM_000643.3, NM_000644.3 and 6 more transcripts); c.-153C>T (NM_000646.3).
Identifiers: ClinVar variation 287104 (VCV000287104.61), dbSNP rs138203039, ClinGen allele CA965998.